The following is an entry in ClinVar:

NM_001354604.2(MITF):c.108T>G (p.Ser36Arg)

Gene: MITF (melanocyte inducing transcription factor; plus strand). Cytogenetic location: 3p13.
Variant type: single nucleotide variant.
Coding change: c.108T>G on transcript NM_001354604.2 (MANE Select); coding-DNA position 108, T replaced by G.
Protein change: p.Ser36Arg; replaces serine 36 with arginine.
Molecular consequence: missense variant. On other transcripts: 5 prime UTR variant (2).
Genome position (GRCh38, 1-based): chr3:69,879,137, T>G. VCF-style: chr3-69879137-T-G. GRCh37 (hg19) VCF-style: chr3-69928288-T-G.
Other names: c.-49T>G (NM_001184967.2, NM_001354608.2); c.105T>G, p.Ser35Arg (NM_001354605.2, NM_001354606.2, NM_006722.3); c.57T>G, p.Ser19Arg (NM_001354607.2); c.108T>G, p.Ser36Arg (NM_198159.3); c.60T>G, p.Ser20Arg (NM_198177.3); short protein forms S19R, S20R, S35R, S36R.
Identifiers: ClinVar variation 2631029 (VCV002631029.1), dbSNP rs1231587306, ClinGen allele CA353558507.

ClinVar aggregate classification (germline): Uncertain significance (1 of 4 stars; one submission).

Conditions:
MITF-related disorder. Also called: MITF-related condition.

Allele frequency attached by ClinVar (database versions not stated): gnomAD 0.00001; TOPMed 0.00002.
gnomAD v4.1: 1 of 1,614,066 alleles (0.000062%); highest among the groups gnomAD compares: African/African-American, 0.0013%; no homozygotes.

Submission:

PreventionGenetics, part of Exact Sciences
Classification: Uncertain significance for MITF-related condition. Last evaluated: 2023-08-18. Review status: criteria provided, single submitter. Criteria: ACMG Guidelines, 2015. Collection method: clinical testing. Allele origin: germline.
Comment: The MITF c.108T>G variant is predicted to result in the amino acid substitution p.Ser36Arg. This variant corresponds to a precoding variant in the primary transcript for this gene (NM_000248.3:c.-57586T>G). To our knowledge, this variant has not been reported in the literature or in a large population database, indicating this variant is rare. At this time, the clinical significance of this variant is uncertain due to the absence of conclusive functional and genetic evidence.